The following is an entry in ClinVar:

ClinVar aggregate classification (germline): Conflicting classifications of pathogenicity. Review status: criteria provided, conflicting classifications (1 of 4 stars). 8 submissions from 8 submitters: Uncertain significance (5); Likely benign (1). 2 of the submissions do not count toward it. Last evaluated 2026-03-02.

Conditions:
PCNT-related disorder. Also called: PCNT-related condition.
Microcephalic osteodysplastic primordial dwarfism type II (MOPD2). Also called: Microcephalic osteodysplastic primordial dwarfism with tooth abnormalities; MOPD II; OSTEODYSPLASTIC PRIMORDIAL DWARFISM, TYPE II. Identifiers: Orphanet 2637, MedGen C0432246, MONDO:0008872, OMIM 210720.

Allele frequency attached by ClinVar (database versions not stated): ESP Exome Variant Server 0.00023; gnomAD exomes 0.00037; 1000 Genomes Project 0.00040; 1000 Genomes Project 30x 0.00047; ExAC 0.00051; gnomAD 0.00052 and 0.00054; TOPMed 0.00059.
gnomAD v4.1: 716 of 1,613,386 alleles (0.044%); highest among the groups gnomAD compares: Non-Finnish European, 0.054%; no homozygotes.

Submissions (8):

PreventionGenetics, part of Exact Sciences
Classification: Uncertain significance for PCNT-related condition. Last evaluated: 2026-03-02. Review status: criteria provided, single submitter. Criteria: ACMG Guidelines, 2015. Collection method: clinical testing. Allele origin: germline.
Comment: The PCNT c.8702C>T variant is predicted to result in the amino acid substitution p.Pro2901Leu. To our knowledge, this variant has not been reported in the literature. This variant is reported in 0.071% of alleles in individuals of European (Non-Finnish) descent in gnomAD, which may be too common to be an unreported primary cause of disease. Although we suspect that this variant may be benign, at this time, the clinical significance of this variant is uncertain due to the absence of conclusive functional and genetic evidence.

Blueprint Genetics
Classification: Likely benign. Last evaluated: 2024-10-15. Review status: criteria provided, single submitter. Criteria: ACMG Guidelines, 2015. Collection method: clinical testing. Allele origin: germline.

Labcorp Genetics (formerly Invitae), Labcorp
Classification: Uncertain significance. Last evaluated: 2022-09-13. Review status: criteria provided, single submitter. Criteria: Invitae Variant Classification Sherloc (09022015). Collection method: clinical testing. Allele origin: germline.
Comment: This sequence change replaces proline, which is neutral and non-polar, with leucine, which is neutral and non-polar, at codon 2901 of the PCNT protein (p.Pro2901Leu). This variant is present in population databases (rs150615481, gnomAD 0.07%). This variant has not been reported in the literature in individuals affected with PCNT-related conditions. ClinVar contains an entry for this variant (Variation ID: 809312). Algorithms developed to predict the effect of missense changes on protein structure and function are either unavailable or do not agree on the potential impact of this missense change (SIFT: "Deleterious"; PolyPhen-2: "Possibly Damaging"; Align-GVGD: "Class C0"). In summary, the available evidence is currently insufficient to determine the role of this variant in disease. Therefore, it has been classified as a Variant of Uncertain Significance.

Illumina Laboratory Services, Illumina
Classification: Uncertain significance for Microcephalic osteodysplastic primordial dwarfism type II. Last evaluated: 2018-01-13. Review status: criteria provided, single submitter. Criteria: ICSL Variant Classification Criteria 13 December 2019. Collection method: clinical testing. Allele origin: germline.

CeGaT Center for Human Genetics Tuebingen
Classification: Uncertain significance. Last evaluated: 2017-08-01. Review status: criteria provided, single submitter. Criteria: CeGaT Center For Human Genetics Tuebingen Variant Classification Criteria Version 2. Collection method: clinical testing. Allele origin: germline. Affected: yes. Observed: 1 variant allele.

Breakthrough Genomics
Classification: Uncertain significance. Review status: criteria provided, single submitter. Criteria: ACMG Guidelines, 2015. Collection method: not provided. Allele origin: germline. Inheritance: Autosomal dominant inheritance. Affected: yes.

Clinical Genetics DNA and cytogenetics Diagnostics Lab, Erasmus MC, Erasmus Medical Center
Classification: Likely benign. Review status: no assertion criteria provided. Collection method: clinical testing. Allele origin: germline. Affected: yes. Study: VKGL Data-share Consensus. Not counted in ClinVar's aggregate classification.

Laboratory of Diagnostic Genome Analysis, Leiden University Medical Center (LUMC)
Classification: Likely benign. Review status: no assertion criteria provided. Collection method: clinical testing. Allele origin: germline. Affected: yes. Study: VKGL Data-share Consensus. Not counted in ClinVar's aggregate classification.

NM_006031.6(PCNT):c.8702C>T (p.Pro2901Leu)

Gene: PCNT (pericentrin; plus strand). Cytogenetic location: 21q22.3.
Variant type: single nucleotide variant.
Coding change: c.8702C>T on transcript NM_006031.6 (MANE Select); coding-DNA position 8702, C replaced by T.
Protein change: p.Pro2901Leu; replaces proline 2901 with leucine.
Molecular consequence: missense variant. On other transcripts: intron variant (1).
Genome position (GRCh38, 1-based): chr21:46,432,166, C>T. VCF-style: chr21-46432166-C-T. GRCh37 (hg19) VCF-style: chr21-47852080-C-T.
Other names: c.8160+188C>T (NM_001315529.2); short protein forms P2901L.
Identifiers: ClinVar variation 809312 (VCV000809312.54), dbSNP rs150615481, ClinGen allele CA10081032.
Genomic context (GRCh38, chr21:46,432,166, plus strand): 5'-GGTTGAAAGAGCAAGAAGGACGCAAGGCTGCGAGGAGGAGCGCGGAGGCCAGGCAGAGCC[C>T]AGCGGCTGCGGAGCAGTGGAGGAAGTGGCAGAGAGACAAGGAGAAGCTGGTGAGAGCCGC-3'
Protein context (NP_006022.3, residues 2891-2911): ARRSAEARQS[Pro2901Leu]AAAEQWRKWQ